The following is an entry in ClinVar:

NM_001605.3(AARS1):c.299T>C (p.Met100Thr)

Gene: AARS1 (alanyl-tRNA synthetase 1; minus strand). Cytogenetic location: 16q22.1.
Variant type: single nucleotide variant.
Coding change: c.299T>C on transcript NM_001605.3 (MANE Select); coding-DNA position 299, T replaced by C.
Protein change: p.Met100Thr; replaces methionine 100 with threonine.
Molecular consequence: missense variant.
Genome position (GRCh38, 1-based): chr16:70,277,000, A>G on the plus strand (T>C on the coding strand, the complement: AARS1 is on the minus strand). VCF-style: chr16-70277000-A-G. GRCh37 (hg19) VCF-style: chr16-70310903-A-G.
Other names: short protein forms M100T.
Identifiers: ClinVar variation 2094430 (VCV002094430.4), dbSNP rs2507029526, ClinGen allele CA396569428.

ClinVar aggregate classification (germline): Uncertain significance (1 of 4 stars; one submission).

Conditions:
Charcot-Marie-Tooth disease type 2. Also called: Charcot-Marie-Tooth type 2. Identifiers: Orphanet 64746, MedGen C0270914, MONDO:0018993.

Allele frequency attached by ClinVar (database versions not stated): gnomAD exomes below 0.00001.

Submission:

Labcorp Genetics (formerly Invitae), Labcorp
Classification: Uncertain significance for Charcot-Marie-Tooth disease type 2. Last evaluated: 2022-02-07. Review status: criteria provided, single submitter. Criteria: Invitae Variant Classification Sherloc (09022015). Collection method: clinical testing. Allele origin: germline.
Comment: In summary, the available evidence is currently insufficient to determine the role of this variant in disease. Therefore, it has been classified as a Variant of Uncertain Significance. Algorithms developed to predict the effect of missense changes on protein structure and function are either unavailable or do not agree on the potential impact of this missense change (SIFT: "Deleterious"; PolyPhen-2: "Probably Damaging"; Align-GVGD: "Class C0"). This variant has not been reported in the literature in individuals affected with AARS-related conditions. This variant is not present in population databases (gnomAD no frequency). This sequence change replaces methionine, which is neutral and non-polar, with threonine, which is neutral and polar, at codon 100 of the AARS protein (p.Met100Thr).